The following is an entry in ClinVar:

NM_007294.4(BRCA1):c.2116C>G (p.Pro706Ala)

Gene: BRCA1 (BRCA1 DNA repair associated; minus strand). Cytogenetic location: 17q21.31.
Variant type: single nucleotide variant.
Coding change: c.2116C>G on transcript NM_007294.4 (MANE Select); coding-DNA position 2116, C replaced by G.
Protein change: p.Pro706Ala; replaces proline 706 with alanine.
Molecular consequence: missense variant. On other transcripts: intron variant (137).
Genome position (GRCh38, 1-based): chr17:43,093,415, G>C on the plus strand (C>G on the coding strand, the complement: BRCA1 is on the minus strand). VCF-style: chr17-43093415-G-C. GRCh37 (hg19) VCF-style: chr17-41245432-G-C.
Other names: c.1993C>G, p.Pro665Ala (NM_001407664.1, NM_001407665.1, NM_001407666.1 and 19 more transcripts); c.2035C>G, p.Pro679Ala (NM_001407662.1, NM_001407659.1, NM_001407660.1 and 1 more transcripts); c.2038C>G, p.Pro680Ala (NM_001407663.1, NM_001407653.1, NM_001407654.1 and 4 more transcripts); c.1990C>G, p.Pro664Ala (NM_001407670.1, NM_001407671.1, NM_001407672.1 and 11 more transcripts); c.2116C>G, p.Pro706Ala (NM_001407684.1, NM_001407854.1, NM_001407858.1 and 30 more transcripts); c.1975C>G, p.Pro659Ala (NM_001407692.1, NM_001407694.1, NM_001407695.1 and 29 more transcripts); c.1972C>G, p.Pro658Ala (NM_001407740.1, NM_001407741.1, NM_001407742.1 and 20 more transcripts); c.1903C>G, p.Pro635Ala (NM_001407853.1, NM_001407894.1, NM_001407895.1 and 9 more transcripts); and 41 more; short protein forms P595A, P658A, P659A, P665A, P703A, P538A, P594A, P618A.
Identifiers: ClinVar variation 4698001 (VCV004698001.1).

ClinVar aggregate classification (germline): Uncertain significance (1 of 4 stars; one submission).

Conditions:
Hereditary breast ovarian cancer syndrome. Also called: Hereditary breast and ovarian cancer syndrome (HBOC); Breast and ovarian cancer; Hereditary breast and ovarian cancer; Hereditary breast and ovarian cancer syndrome; BRCA1- and BRCA2-Associated Hereditary Breast and Ovarian Cancer; Hereditary breast and/or ovarian cancer syndrome. Identifiers: Orphanet 145, MedGen C0677776, MeSH D061325, MONDO:0003582. Disease mechanism: loss of function.

Submission:

Labcorp Genetics (formerly Invitae), Labcorp
Classification: Uncertain significance for Hereditary breast ovarian cancer syndrome. Last evaluated: 2025-07-09. Review status: criteria provided, single submitter. Criteria: Invitae Variant Classification Sherloc (09022015). Collection method: clinical testing. Allele origin: germline.
Comment: This sequence change replaces proline, which is neutral and non-polar, with alanine, which is neutral and non-polar, at codon 706 of the BRCA1 protein (p.Pro706Ala). This variant is not present in population databases (gnomAD no frequency). This variant has not been reported in the literature in individuals affected with BRCA1-related conditions. Invitae Evidence Modeling of protein sequence and biophysical properties (such as structural, functional, and spatial information, amino acid conservation, physicochemical variation, residue mobility, and thermodynamic stability) indicates that this missense variant is not expected to disrupt BRCA1 protein function with a negative predictive value of 80%. In summary, the available evidence is currently insufficient to determine the role of this variant in disease. Therefore, it has been classified as a Variant of Uncertain Significance.